The following is an entry in ClinVar:

NM_025265.4(TSEN2):c.1013C>G (p.Thr338Arg)

Gene: TSEN2 (tRNA splicing endonuclease subunit 2; plus strand). Cytogenetic location: 3p25.2.
Variant type: single nucleotide variant.
Coding change: c.1013C>G on transcript NM_025265.4 (MANE Select); coding-DNA position 1013, C replaced by G.
Protein change: p.Thr338Arg; replaces threonine 338 with arginine.
Molecular consequence: missense variant. On other transcripts: non-coding transcript variant (1).
Genome position (GRCh38, 1-based): chr3:12,519,111, C>G. VCF-style: chr3-12519111-C-G. GRCh37 (hg19) VCF-style: chr3-12560610-C-G.
Other names: c.1013C>G, p.Thr338Arg (NM_001145392.2, NM_001321277.2, NM_001321278.2); c.935C>G, p.Thr312Arg (NM_001145393.3, NM_001321279.2); c.836C>G, p.Thr279Arg (NM_001145394.2); short protein forms T279R, T338R, T312R.
Identifiers: ClinVar variation 160101 (VCV000160101.58), dbSNP rs145142315, ClinGen allele CA272720.

ClinVar aggregate classification (germline): Conflicting classifications of pathogenicity. Review status: criteria provided, conflicting classifications (1 of 4 stars). 7 submissions from 7 submitters: Uncertain significance (3); Likely benign (4). Last evaluated 2026-01-28.

Conditions:
Pontoneocerebellar hypoplasia. Also called: Pontocerebellar hypoplasia; Non-syndromic pontocerebellar hypoplasia. Identifiers: Orphanet 98523, MedGen C1261175, MONDO:0020135.
Pontocerebellar hypoplasia type 2B (PCH2B). Identifiers: Orphanet 2524, MedGen C2676466, MONDO:0012890, OMIM 612389.

Allele frequency attached by ClinVar (database versions not stated): gnomAD 0.00038; 1000 Genomes Project 0.00040; TOPMed 0.00049; 1000 Genomes Project 30x 0.00062; ESP Exome Variant Server 0.00085.
gnomAD v4.1: 776 of 1,614,190 alleles (0.048%); highest among the groups gnomAD compares: Middle Eastern, 0.28%; 2 homozygotes.

Submissions (8):

Labcorp Genetics (formerly Invitae), Labcorp
Classification: Likely benign. Last evaluated: 2026-01-28. Review status: criteria provided, single submitter. Criteria: Invitae Variant Classification Sherloc (09022015). Collection method: clinical testing. Allele origin: germline.

CeGaT Center for Human Genetics Tuebingen
Classification: Likely benign. Last evaluated: 2025-07-01. Review status: criteria provided, single submitter. Criteria: CeGaT Center For Human Genetics Tuebingen Variant Classification Criteria Version 2. Collection method: clinical testing. Allele origin: germline. Affected: yes. Observed: 3 variant alleles.
Comment: TSEN2: BP4

Blueprint Genetics
Classification: Likely benign. Last evaluated: 2024-11-22. Review status: criteria provided, single submitter. Criteria: ACMG Guidelines, 2015. Collection method: clinical testing. Allele origin: germline.

GeneDx
Classification: Likely benign. Last evaluated: 2019-05-17. Review status: criteria provided, single submitter. Criteria: GeneDx Variant Classification Process June 2021. Collection method: clinical testing. Allele origin: germline. Affected: yes.

Fulgent Genetics
Classification: Uncertain significance for Pontocerebellar hypoplasia type 2B. Last evaluated: 2018-10-31. Review status: criteria provided, single submitter. Criteria: ACMG Guidelines, 2015. Collection method: clinical testing. Allele origin: unknown.

Illumina Laboratory Services, Illumina
Classification: Uncertain significance for Pontoneocerebellar hypoplasia. Last evaluated: 2018-01-13. Review status: criteria provided, single submitter. Criteria: ICSL Variant Classification Criteria 13 December 2019. Collection method: clinical testing. Allele origin: germline.

Genetic Services Laboratory, University of Chicago
Classification: Uncertain significance for Pontocerebellar hypoplasia type 2B. Last evaluated: 2014-02-25. Review status: criteria provided, single submitter. Criteria: ACMG Guidelines, 2007. Collection method: clinical testing. Allele origin: germline. Inheritance: Autosomal recessive inheritance.

Dr. Peter K. Rogan Lab, Western University
No classification provided (evidence only). Condition: Thyroid cancer, nonmedullary, 1. Review status: no classification provided. Collection method: in vitro. Allele origin: not applicable. Functional consequence: skipped exon, retained intron. Not counted in ClinVar's aggregate classification.